The following is an entry in ClinVar:

ClinVar aggregate classification (germline): Conflicting classifications of pathogenicity. Review status: criteria provided, conflicting classifications (1 of 4 stars). 9 submissions from 9 submitters: Uncertain significance (1); Benign (4); Likely benign (2). 2 of the submissions do not count toward it. Last evaluated 2026-02-04.

Conditions:
Congenital factor V deficiency. Also called: LABILE FACTOR DEFICIENCY; OWREN PARAHEMOPHILIA; PARAHEMOPHILIA; Hereditary factor V deficiency disease. Identifiers: Orphanet 326, MedGen C0015499, MONDO:0009210, OMIM 227400.
Thrombophilia due to activated protein C resistance (THPH2). Also called: PCCF DEFICIENCY; PROC COFACTOR DEFICIENCY; THROMBOPHILIA DUE TO DEFICIENCY OF ACTIVATED PROTEIN C COFACTOR; THROMBOPHILIA V; APC resistance; Activated protein C resistance. Identifiers: MedGen C1861171, MONDO:0008560, OMIM 188055. Disease mechanism: loss of function, gain of function.

Allele frequency attached by ClinVar (database versions not stated): gnomAD 0.24159 and 0.24628; ESP Exome Variant Server 0.24358; TOPMed 0.25433; 1000 Genomes Project 30x 0.26374; 1000 Genomes Project 0.26677; gnomAD exomes 0.27348 and 0.28124; ExAC 0.27684.
gnomAD v4.1: 436,662 of 1,613,702 alleles (27%); highest among the groups gnomAD compares: Admixed American, 39%; 60,850 homozygotes.

Submissions (9):

Labcorp Genetics (formerly Invitae), Labcorp
Classification: Benign for Congenital factor V deficiency. Last evaluated: 2026-02-04. Review status: criteria provided, single submitter. Criteria: Invitae Variant Classification Sherloc (09022015). Collection method: clinical testing. Allele origin: germline.

Genomic Medicine Center of Excellence, King Faisal Specialist Hospital and Research Centre
Classification: Likely benign for Thrombophilia due to activated protein C resistance. Last evaluated: 2025-07-30. Review status: criteria provided, single submitter. Criteria: ACMG Guidelines, 2015. Collection method: clinical testing. Allele origin: germline.

Mayo Clinic Laboratories, Mayo Clinic
Classification: Benign. Last evaluated: 2025-03-05. Review status: criteria provided, single submitter. Criteria: ACMG Guidelines, 2015. Collection method: clinical testing. Allele origin: germline. Observed: 101 variant alleles.

GeneDx
Classification: Benign. Last evaluated: 2018-11-11. Review status: criteria provided, single submitter. Criteria: GeneDx Variant Classification Process June 2021. Collection method: clinical testing. Allele origin: germline. Affected: yes.
Comment: This variant is associated with the following publications: (PMID: 20124536, 17284699, 25772935)

Illumina Laboratory Services, Illumina
Classification: Likely benign for Thrombophilia due to activated protein C resistance. Last evaluated: 2017-04-27. Review status: criteria provided, single submitter. Criteria: ICSL Variant Classification Criteria 13 December 2019. Collection method: clinical testing. Allele origin: germline.
Comment: This variant was observed as part of a predisposition screen in an ostensibly healthy population. A literature search was performed for the gene, cDNA change, and amino acid change (where applicable). No publications were found based on this search. Allele frequency data from public databases allowed determination this variant is unlikely to cause disease. Therefore, this variant is classified as likely benign.

CeGaT Center for Human Genetics Tuebingen
Classification: Uncertain significance. Last evaluated: 2016-10-01. Review status: criteria provided, single submitter. Criteria: CeGaT Center For Human Genetics Tuebingen Variant Classification Criteria Version 2. Collection method: clinical testing. Allele origin: germline. Affected: yes. Observed: 2 variant alleles.

PreventionGenetics, part of Exact Sciences
Classification: Benign. Review status: criteria provided, single submitter. Criteria: ACMG Guidelines, 2015. Collection method: clinical testing. Allele origin: germline.

Diagnostic Laboratory, Department of Genetics, University Medical Center Groningen
Classification: Benign. Review status: no assertion criteria provided. Collection method: clinical testing. Allele origin: germline. Affected: yes. Study: VKGL Data-share Consensus. Not counted in ClinVar's aggregate classification.

Joint Genome Diagnostic Labs from Nijmegen and Maastricht, Radboudumc and MUMC+
Classification: Benign. Review status: no assertion criteria provided. Collection method: clinical testing. Allele origin: germline. Affected: yes. Study: VKGL Data-share Consensus. Not counted in ClinVar's aggregate classification.

NM_000130.5(F5):c.2573A>G (p.Lys858Arg)

Gene: F5 (coagulation factor V; minus strand). Cytogenetic location: 1q24.2.
Variant type: single nucleotide variant.
Coding change: c.2573A>G on transcript NM_000130.5 (MANE Select); coding-DNA position 2573, A replaced by G.
Protein change: p.Lys858Arg; replaces lysine 858 with arginine.
Molecular consequence: missense variant.
Genome position (GRCh38, 1-based): chr1:169,542,517, T>C on the plus strand (A>G on the coding strand, the complement: F5 is on the minus strand). VCF-style: chr1-169542517-T-C. GRCh37 (hg19) VCF-style: chr1-169511755-T-C.
Other names: short protein forms K858R.
Identifiers: ClinVar variation 255200 (VCV000255200.61), dbSNP rs4524, ClinGen allele CA1234067.
Genomic context (GRCh38, chr1:169,542,517, plus strand): 5'-TGCTTTGCTGCTTGATCTCTTTCTACCTTGGGTCCCTTATGCTTAGCATGTTCTTGACTT[T>C]TGAATTCTCCAGCACCAAGTGAAAGTAGACGTATCCCTGTGACATCTGGCTGTAGAGGAT-3'
Protein context (NP_000121.2, residues 848-868): RLLSLGAGEF[Lys858Arg]SQEHAKHKGP